The following is an entry in ClinVar:

NM_001104631.2(PDE4D):c.1167A>T (p.Glu389Asp)

Gene: PDE4D (phosphodiesterase 4D; minus strand). Cytogenetic location: 5q11.2.
Variant type: single nucleotide variant.
Coding change: c.1167A>T on transcript NM_001104631.2 (MANE Select); coding-DNA position 1167, A replaced by T.
Protein change: p.Glu389Asp; replaces glutamic acid 389 with aspartic acid.
Molecular consequence: missense variant.
Genome position (GRCh38, 1-based): chr5:58,991,853, T>A on the plus strand (A>T on the coding strand, the complement: PDE4D is on the minus strand). VCF-style: chr5-58991853-T-A. GRCh37 (hg19) VCF-style: chr5-58287680-T-A.
Other names: c.984A>T, p.Glu328Asp (NM_001165899.2, NM_001364599.1); c.975A>T, p.Glu325Asp (NM_001197218.2); c.801A>T, p.Glu267Asp (NM_001197219.2); c.777A>T, p.Glu259Asp (NM_001197220.2); c.261A>T, p.Glu87Asp (NM_001197221.2, NM_001364603.1); c.495A>T, p.Glu165Asp (NM_001197222.2); c.294A>T, p.Glu98Asp (NM_001197223.2); c.954A>T, p.Glu318Asp (NM_001349241.2); and 3 more; short protein forms E133D, E165D, E253D, E259D, E267D, E279D, E318D, E325D.
Identifiers: ClinVar variation 3629206 (VCV003629206.2).

ClinVar aggregate classification (germline): Uncertain significance (1 of 4 stars; one submission).

gnomAD v4.1: 26 of 1,517,012 alleles (0.0017%); highest among the groups gnomAD compares: Middle Eastern, 0.1%; no homozygotes.

Submission:

Labcorp Genetics (formerly Invitae), Labcorp
Classification: Uncertain significance. Last evaluated: 2026-01-19. Review status: criteria provided, single submitter. Criteria: Invitae Variant Classification Sherloc (09022015). Collection method: clinical testing. Allele origin: germline.
Comment: This sequence change replaces glutamic acid, which is acidic and polar, with aspartic acid, which is acidic and polar, at codon 389 of the PDE4D protein (p.Glu389Asp). This variant is present in population databases (rs748880582, gnomAD 0.005%). This variant has not been reported in the literature in individuals affected with PDE4D-related conditions. ClinVar contains an entry for this variant (Variation ID: 3629206). Invitae Evidence Modeling of protein sequence and biophysical properties (such as structural, functional, and spatial information, amino acid conservation, physicochemical variation, residue mobility, and thermodynamic stability) indicates that this missense variant is not expected to disrupt PDE4D protein function with a negative predictive value of 80%. In summary, the available evidence is currently insufficient to determine the role of this variant in disease. Therefore, it has been classified as a Variant of Uncertain Significance.